The following is an entry in ClinVar:

NM_003486.7(SLC7A5):c.459C>T (p.Ala153=)

Gene: SLC7A5 (solute carrier family 7 member 5; minus strand). Cytogenetic location: 16q24.2.
Variant type: single nucleotide variant.
Coding change: c.459C>T on transcript NM_003486.7 (MANE Select); coding-DNA position 459, C replaced by T.
Protein change: p.Ala153=; no amino-acid change (alanine 153 retained).
Molecular consequence: synonymous variant.
Genome position (GRCh38, 1-based): chr16:87,868,964, G>A on the plus strand (C>T on the coding strand, the complement: SLC7A5 is on the minus strand). VCF-style: chr16-87868964-G-A. GRCh37 (hg19) VCF-style: chr16-87902570-G-A.
Identifiers: ClinVar variation 3037627 (VCV003037627.2), dbSNP rs774535808, ClinGen allele CA8223078.
Genomic context (GRCh38, chr16:87,868,964, plus strand): 5'-GAGCTTGGCTGCCTCCTCGGGCACCGGGCAGGTGGGGAAGAGCGGCTTGAGCAGGTAGGT[G>A]GCGAAGACCAGGGCCACGATGTACTGCGATGAAGGCCGGATGATGAGCAGCTCGATCCAG-3'
Protein context (NP_003477.4, residues 143-163): SSQYIVALVF[Ala153=]TYLLKPLFPT

ClinVar aggregate classification (germline): Likely benign (0 of 4 stars; one submission).

Conditions:
SLC7A5-related disorder. Also called: SLC7A5-related condition.

Allele frequency attached by ClinVar (database versions not stated): TOPMed 0.00001; ExAC 0.00004; gnomAD exomes 0.00004.
gnomAD v4.1: 56 of 1,610,508 alleles (0.0035%); highest among the groups gnomAD compares: Middle Eastern, 0.067%; no homozygotes.

Submission:

PreventionGenetics, part of Exact Sciences
Classification: Likely benign for SLC7A5-related condition. Last evaluated: 2019-05-01. Review status: no assertion criteria provided. Collection method: clinical testing. Allele origin: germline.
Comment: This variant is classified as likely benign based on ACMG/AMP sequence variant interpretation guidelines (Richards et al. 2015 PMID: 25741868, with internal and published modifications).